The following is an entry in ClinVar:

NM_007294.4(BRCA1):c.3307T>G (p.Cys1103Gly)

Genes: BRCA1 (BRCA1 DNA repair associated; minus strand), LOC126862571 (BRD4-independent group 4 enhancer GRCh37_chr17:41243136-41244335; plus strand). Cytogenetic location: 17q21.31.
Variant type: single nucleotide variant.
Coding change: c.3307T>G on transcript NM_007294.4 (MANE Select); coding-DNA position 3307, T replaced by G.
Protein change: p.Cys1103Gly; replaces cysteine 1103 with glycine.
Molecular consequence: missense variant. On other transcripts: intron variant (137).
Genome position (GRCh38, 1-based): chr17:43,092,224, A>C on the plus strand (T>G on the coding strand, the complement: BRCA1 is on the minus strand). VCF-style: chr17-43092224-A-C. GRCh37 (hg19) VCF-style: chr17-41244241-A-C.
Other names: c.662-1192T>G (NM_001408433.1, NM_001408446.1, NM_001408435.1 and 6 more transcripts); c.3304T>G, p.Cys1102Gly (NM_001407627.1, NM_001407628.1, NM_001407629.1 and 22 more transcripts); c.3166T>G, p.Cys1056Gly (NM_001407732.1, NM_001407733.1, NM_001407734.1 and 29 more transcripts); c.785-1192T>G (NM_001408400.1, NM_001408392.1, NM_001407986.1 and 13 more transcripts); c.665-1192T>G (NM_001408441.1, NM_001408437.1, NM_001408436.1 and 12 more transcripts); c.3163T>G, p.Cys1055Gly (NM_001407740.1, NM_001407741.1, NM_001407742.1 and 20 more transcripts); c.710-1192T>G (NM_001408415.1, NM_001408412.1, NM_001408409.1 and 2 more transcripts); c.578-1192T>G (NM_001408483.1, NM_001408481.1, NM_001408480.1 and 9 more transcripts); and 41 more; short protein forms C1014G, C1015G, C1056G, C1061G, C1102G, C1103G, C975G, C1032G.
Identifiers: ClinVar variation 3634652 (VCV003634652.2).

ClinVar aggregate classification (germline): Uncertain significance (1 of 4 stars; one submission).

Conditions:
Hereditary breast ovarian cancer syndrome. Also called: Hereditary breast and ovarian cancer syndrome; Hereditary breast and ovarian cancer syndrome (HBOC); BRCA1- and BRCA2-Associated Hereditary Breast and Ovarian Cancer; Hereditary breast and ovarian cancer; Breast and ovarian cancer; Hereditary breast and/or ovarian cancer syndrome. Identifiers: Orphanet 145, MedGen C0677776, MeSH D061325, MONDO:0003582. Disease mechanism: loss of function.

Submission:

Labcorp Genetics (formerly Invitae), Labcorp
Classification: Uncertain significance for Hereditary breast ovarian cancer syndrome. Last evaluated: 2024-05-06. Review status: criteria provided, single submitter. Criteria: Invitae Variant Classification Sherloc (09022015). Collection method: clinical testing. Allele origin: germline.
Comment: This sequence change replaces cysteine, which is neutral and slightly polar, with glycine, which is neutral and non-polar, at codon 1103 of the BRCA1 protein (p.Cys1103Gly). This variant is not present in population databases (gnomAD no frequency). This variant has not been reported in the literature in individuals affected with BRCA1-related conditions. Advanced modeling of protein sequence and biophysical properties (such as structural, functional, and spatial information, amino acid conservation, physicochemical variation, residue mobility, and thermodynamic stability) performed at Invitae indicates that this missense variant is not expected to disrupt BRCA1 protein function with a negative predictive value of 95%. In summary, the available evidence is currently insufficient to determine the role of this variant in disease. Therefore, it has been classified as a Variant of Uncertain Significance.